The following is an entry in ClinVar:

NM_000535.7(PMS2):c.1303C>T (p.His435Tyr)

Gene: PMS2 (PMS1 homolog 2, mismatch repair system component; minus strand). Cytogenetic location: 7p22.1.
Variant type: single nucleotide variant.
Coding change: c.1303C>T on transcript NM_000535.7 (MANE Select); coding-DNA position 1303, C replaced by T.
Protein change: p.His435Tyr; replaces histidine 435 with tyrosine.
Molecular consequence: missense variant. On other transcripts: non-coding transcript variant (1).
Genome position (GRCh38, 1-based): chr7:5,987,462, G>A on the plus strand (C>T on the coding strand, the complement: PMS2 is on the minus strand). VCF-style: chr7-5987462-G-A. GRCh37 (hg19) VCF-style: chr7-6027093-G-A.
Other names: c.898C>T, p.His300Tyr (NM_001322003.2, NM_001322004.2, NM_001322005.2 and 1 more transcripts); c.1147C>T, p.His383Tyr (NM_001322006.2); c.985C>T, p.His329Tyr (NM_001322007.2, NM_001322008.2); c.742C>T, p.His248Tyr (NM_001322010.2); c.370C>T, p.His124Tyr (NM_001322011.2, NM_001322012.2); c.730C>T, p.His244Tyr (NM_001322013.2); c.1303C>T, p.His435Tyr (NM_001322014.2); c.994C>T, p.His332Tyr (NM_001322015.2); short protein forms H435Y, H383Y, H332Y, H124Y, H244Y, H248Y, H300Y, H329Y.
Identifiers: ClinVar variation 185267 (VCV000185267.23), dbSNP rs148956636, ClinGen allele CA009489.
Genomic context (GRCh38, chr7:5,987,462, plus strand): 5'-ACAGCATACCCCTTTTCTGTCCTAGAGGGCTCCTTCTTGGTTCTGGAGTCTTTGGGCTGT[G>A]AGGCTTGTTCTCTGTTGTGTGACGAAGAGAAAAGGCCTCTCGCAGTCTGGAAATGGACAC-3'
Protein context (NP_000526.2, residues 425-445): SLRHTTENKP[His435Tyr]SPKTPEPRRS

ClinVar aggregate classification (germline): Conflicting classifications of pathogenicity. Review status: criteria provided, conflicting classifications (1 of 4 stars). 7 submissions from 7 submitters: Uncertain significance (5); Likely benign (2). Last evaluated 2026-07-22.

Conditions:
PMS2-related disorder. Also called: PMS2-related condition.
Hereditary nonpolyposis colorectal neoplasms. Identifiers: MedGen C0009405, MeSH D003123.
Hereditary cancer-predisposing syndrome. Also called: Neoplastic Syndromes, Hereditary; Tumor predisposition; Hereditary neoplastic syndrome; Hereditary Cancer Syndrome. Identifiers: Orphanet 140162, MedGen C0027672, MeSH D009386, MONDO:0015356.
Lynch syndrome 4 (LYNCH4). Also called: Colorectal cancer, hereditary nonpolyposis, type 4; Hereditary non-polyposis colorectal cancer, type 4. Identifiers: Orphanet 144, MedGen C1838333, MONDO:0013699, OMIM 614337. Disease mechanism: loss of function.

Allele frequency attached by ClinVar (database versions not stated): gnomAD exomes below 0.00001; ExAC 0.00001; ESP Exome Variant Server 0.00008.
gnomAD v4.1: 2 of 1,614,156 alleles (0.00012%); highest among the groups gnomAD compares: East Asian, 0.0022%; no homozygotes.

Submissions (7):

PreventionGenetics, part of Exact Sciences
Classification: Uncertain significance for PMS2-related condition. Last evaluated: 2026-07-22. Review status: criteria provided, single submitter. Criteria: ACMG Guidelines, 2015. Collection method: clinical testing. Allele origin: germline.
Comment: The PMS2 c.1303C>T variant is predicted to result in the amino acid substitution p.His435Tyr. This variant was reported in an individual with pancreatic cancer (Yin et al. 2022. PubMed ID: 35171259). It is reported in 0.00088% of alleles in individuals of European (Non-Finnish) descent in gnomAD and has conflicting interpretations in ClinVar ranging from likely benign to uncertain (Variation ID: 185267). At this time, the clinical significance of this variant is uncertain due to the absence of conclusive functional and genetic evidence.

Labcorp Genetics (formerly Invitae), Labcorp
Classification: Uncertain significance for Hereditary nonpolyposis colorectal neoplasms. Last evaluated: 2025-12-13. Review status: criteria provided, single submitter. Criteria: Invitae Variant Classification Sherloc (09022015). Collection method: clinical testing. Allele origin: germline.
Comment: This sequence change replaces histidine, which is basic and polar, with tyrosine, which is neutral and polar, at codon 435 of the PMS2 protein (p.His435Tyr). This variant is present in population databases (rs148956636, gnomAD 0.0009%). This missense change has been observed in individual(s) with pancreatic cancer (PMID: 35171259). ClinVar contains an entry for this variant (Variation ID: 185267). Invitae Evidence Modeling incorporating data from in vitro experimental studies (internal data) indicates that this missense variant is not expected to disrupt PMS2 function with a negative predictive value of 95%. In summary, the available evidence is currently insufficient to determine the role of this variant in disease. Therefore, it has been classified as a Variant of Uncertain Significance.

Color Diagnostics, LLC DBA Color Health
Classification: Likely benign for Hereditary cancer-predisposing syndrome. Last evaluated: 2025-07-15. Review status: criteria provided, single submitter. Criteria: ACMG Guidelines, 2015. Collection method: clinical testing. Allele origin: germline.

Ambry Genetics
Classification: Likely benign for Hereditary cancer-predisposing syndrome. Last evaluated: 2024-12-04. Review status: criteria provided, single submitter. Criteria: Ambry Variant Classification Scheme 2023. Collection method: clinical testing. Allele origin: germline.

Baylor Genetics
Classification: Uncertain significance for Lynch syndrome 4. Last evaluated: 2023-08-12. Review status: criteria provided, single submitter. Criteria: ACMG Guidelines, 2015. Collection method: clinical testing. Allele origin: unknown.

GeneDx
Classification: Uncertain significance. Last evaluated: 2023-04-17. Review status: criteria provided, single submitter. Criteria: GeneDx Variant Classification Process June 2021. Collection method: clinical testing. Allele origin: germline. Affected: yes.
Comment: Not observed at significant frequency in large population cohorts (gnomAD); In silico analysis supports that this missense variant does not alter protein structure/function; Observed in an individual with colorectal cancer (Xu et al., 2020); This variant is associated with the following publications: (PMID: 32973888)

Breakthrough Genomics
Classification: Uncertain significance. Review status: criteria provided, single submitter. Criteria: ACMG Guidelines, 2015. Collection method: not provided. Allele origin: germline. Inheritance: Autosomal recessive inheritance. Affected: yes.

Literature cited by the submitters: PubMed 35171259 (cited by Labcorp Genetics (formerly Invitae), Labcorp and Ambry Genetics).